The following is an entry in ClinVar:

ClinVar aggregate classification (germline): Conflicting classifications of pathogenicity. Review status: criteria provided, conflicting classifications (1 of 4 stars). 6 submissions from 6 submitters: Uncertain significance (2); Benign (2); Likely benign (2). Last evaluated 2025-10-29.

Conditions:
Hereditary cancer-predisposing syndrome. Also called: Hereditary neoplastic syndrome; Neoplastic Syndromes, Hereditary; Tumor predisposition; Hereditary Cancer Syndrome. Identifiers: Orphanet 140162, MedGen C0027672, MeSH D009386, MONDO:0015356.
Tuberous sclerosis syndrome (TSC). Also called: Tuberous Sclerosis Complex; Tuberous sclerosis. Identifiers: Orphanet 805, MedGen C0041341, MONDO:0001734.
Tuberous sclerosis 1 (TSC1). Identifiers: Orphanet 805, MedGen C1854465, MONDO:0008612, OMIM 191100.

Allele frequency attached by ClinVar (database versions not stated): gnomAD 0.00001; ExAC 0.00003; gnomAD exomes 0.00003; TOPMed 0.00006.
gnomAD v4.1: 9 of 1,614,050 alleles (0.00056%); highest among the groups gnomAD compares: Admixed American, 0.015%; no homozygotes.

Submissions (6):

Labcorp Genetics (formerly Invitae), Labcorp
Classification: Benign for Tuberous sclerosis 1. Last evaluated: 2025-10-29. Review status: criteria provided, single submitter. Criteria: Invitae Variant Classification Sherloc (09022015). Collection method: clinical testing. Allele origin: germline.

All of Us Research Program, National Institutes of Health
Classification: Uncertain significance for Tuberous sclerosis syndrome. Last evaluated: 2023-06-26. Review status: criteria provided, single submitter. Criteria: ACMG Guidelines, 2015. Collection method: clinical testing. Allele origin: germline. Inheritance: Autosomal dominant inheritance. Observed: 1 variant allele, 1 heterozygote.
Comment: This missense variant replaces threonine with isoleucine at codon 1119 of the TSC1 protein. Computational prediction suggests that this variant may not impact protein structure and function (internally defined REVEL score threshold <= 0.5, PMID: 27666373). To our knowledge, functional studies have not been reported for this variant. This variant has not been reported in individuals affected with TSC1-related disorders in the literature. This variant has been identified in 7/251432 chromosomes in the general population by the Genome Aggregation Database (gnomAD). The available evidence is insufficient to determine the role of this variant in disease conclusively. Therefore, this variant is classified as a Variant of Uncertain Significance.

This study involves interpretation of variants in research participants for the purpose of population health screening. Participant phenotype was not available at the time of variant classification. Additional details can be found in publication PMID: 35346344, PMCID: PMC8962531

Genome-Nilou Lab
Classification: Benign for Tuberous sclerosis 1. Last evaluated: 2021-11-07. Review status: criteria provided, single submitter. Criteria: ACMG Guidelines, 2015. Collection method: clinical testing. Allele origin: germline. Affected: no.

Quest Diagnostics Nichols Institute San Juan Capistrano
Classification: Uncertain significance. Last evaluated: 2021-08-20. Review status: criteria provided, single submitter. Criteria: Quest Diagnostics criteria. Collection method: clinical testing. Allele origin: unknown.

GeneDx
Classification: Likely benign. Last evaluated: 2021-04-16. Review status: criteria provided, single submitter. Criteria: GeneDx Variant Classification Process June 2021. Collection method: clinical testing. Allele origin: germline. Affected: yes.

Ambry Genetics
Classification: Likely benign for Hereditary cancer-predisposing syndrome. Last evaluated: 2021-03-23. Review status: criteria provided, single submitter. Criteria: Ambry Variant Classification Scheme 2023. Collection method: clinical testing. Allele origin: germline.

NM_000368.5(TSC1):c.3356C>T (p.Thr1119Ile)

Gene: TSC1 (TSC complex subunit 1; minus strand). Cytogenetic location: 9q34.13.
Variant type: single nucleotide variant.
Coding change: c.3356C>T on transcript NM_000368.5 (MANE Select); coding-DNA position 3356, C replaced by T.
Protein change: p.Thr1119Ile; replaces threonine 1119 with isoleucine.
Molecular consequence: missense variant.
Genome position (GRCh38, 1-based): chr9:132,896,374, G>A on the plus strand (C>T on the coding strand, the complement: TSC1 is on the minus strand). VCF-style: chr9-132896374-G-A. GRCh37 (hg19) VCF-style: chr9-135771761-G-A.
Other names: c.3353C>T, p.Thr1118Ile (NM_001162426.2); c.3203C>T, p.Thr1068Ile (NM_001162427.2); c.2993C>T, p.Thr998Ile (NM_001362177.2); short protein forms T1119I, T1118I, T1068I, T998I.
Identifiers: ClinVar variation 466133 (VCV000466133.19), dbSNP rs775420987, ClinGen allele CA036612.